The following is an entry in ClinVar:

NM_005219.5(DIAPH1):c.2167G>A (p.Gly723Ser)

Gene: DIAPH1 (diaphanous related formin 1; minus strand). Cytogenetic location: 5q31.3.
Variant type: single nucleotide variant.
Coding change: c.2167G>A on transcript NM_005219.5 (MANE Select); coding-DNA position 2167, G replaced by A.
Protein change: p.Gly723Ser; replaces glycine 723 with serine.
Molecular consequence: missense variant.
Genome position (GRCh38, 1-based): chr5:141,573,683, C>T on the plus strand (G>A on the coding strand, the complement: DIAPH1 is on the minus strand). VCF-style: chr5-141573683-C-T. GRCh37 (hg19) VCF-style: chr5-140953250-C-T.
Other names: c.2140G>A, p.Gly714Ser (NM_001079812.3); c.2167G>A, p.Gly723Ser (NM_001314007.2); short protein forms G714S, G723S.
Identifiers: ClinVar variation 1467612 (VCV001467612.8), dbSNP rs1219615963, ClinGen allele CA361517582.

ClinVar aggregate classification (germline): Uncertain significance (1 of 4 stars; one submission).

Conditions:
Autosomal dominant nonsyndromic hearing loss 1. Also called: DEAFNESS, AUTOSOMAL DOMINANT 1, WITH OR WITHOUT THROMBOCYTOPENIA; KONIGSMARK SYNDROME. Identifiers: Orphanet 90635, MedGen C1852282, MONDO:0007424, OMIM 124900.
Progressive microcephaly-seizures-cortical blindness-developmental delay syndrome. Also called: Seizures, cortical blindness, and microcephaly syndrome. Identifiers: Orphanet 477814, MedGen C5567650, MONDO:0014714, OMIM 616632.

Allele frequency attached by ClinVar (database versions not stated): gnomAD exomes 0.00001.
gnomAD v4.1: 5 of 1,605,710 alleles (0.00031%); highest among the groups gnomAD compares: East Asian, 0.009%; no homozygotes.

Submission:

Labcorp Genetics (formerly Invitae), Labcorp
Classification: Uncertain significance for Progressive microcephaly-seizures-cortical blindness-developmental delay syndrome; Autosomal dominant nonsyndromic hearing loss 1. Last evaluated: 2022-02-23. Review status: criteria provided, single submitter. Criteria: Invitae Variant Classification Sherloc (09022015). Collection method: clinical testing. Allele origin: germline.
Comment: In summary, the available evidence is currently insufficient to determine the role of this variant in disease. Therefore, it has been classified as a Variant of Uncertain Significance. Algorithms developed to predict the effect of sequence changes on RNA splicing suggest that this variant may create or strengthen a splice site. Algorithms developed to predict the effect of missense changes on protein structure and function output the following: SIFT: "Tolerated"; PolyPhen-2: "Not Available"; Align-GVGD: "Class C0". The serine amino acid residue is found in multiple mammalian species, which suggests that this missense change does not adversely affect protein function. This variant has not been reported in the literature in individuals affected with DIAPH1-related conditions. This variant is present in population databases (no rsID available, gnomAD 0.0009%). This sequence change replaces glycine, which is neutral and non-polar, with serine, which is neutral and polar, at codon 723 of the DIAPH1 protein (p.Gly723Ser).